The following is an entry in ClinVar:

NM_007194.4(CHEK2):c.908T>C (p.Leu303Ser)

Gene: CHEK2 (checkpoint kinase 2; minus strand). Cytogenetic location: 22q12.1.
Variant type: single nucleotide variant.
Coding change: c.908T>C on transcript NM_007194.4 (MANE Select); coding-DNA position 908, T replaced by C.
Protein change: p.Leu303Ser; replaces leucine 303 with serine.
Molecular consequence: missense variant.
Genome position (GRCh38, 1-based): chr22:28,703,505, A>G on the plus strand (T>C on the coding strand, the complement: CHEK2 is on the minus strand). VCF-style: chr22-28703505-A-G. GRCh37 (hg19) VCF-style: chr22-29099493-A-G.
Other names: c.1037T>C, p.Leu346Ser (NM_001005735.3); c.245T>C, p.Leu82Ser (NM_001257387.3); c.707T>C, p.Leu236Ser (NM_001349956.3); c.908T>C, p.Leu303Ser (NM_145862.3); short protein forms L236S, L346S, L82S, L303S.
Identifiers: ClinVar variation 1471629 (VCV001471629.8), dbSNP rs1233699096, ClinGen allele CA411100879.

ClinVar aggregate classification (germline): Uncertain significance. Review status: criteria provided, multiple submitters, no conflicts (2 of 4 stars). 2 submissions from 2 submitters: Uncertain significance (2). Last evaluated 2025-07-30.

Conditions:
Familial cancer of breast. Also called: hereditary breast carcinoma; BREAST CANCER, FAMILIAL; Hereditary breast cancer. Identifiers: Orphanet 227535, MedGen C0346153, MONDO:0016419, OMIM 114480. Disease mechanism: loss of function.
Hereditary cancer-predisposing syndrome. Also called: Tumor predisposition; Hereditary Cancer Syndrome; Hereditary neoplastic syndrome; Neoplastic Syndromes, Hereditary. Identifiers: Orphanet 140162, MedGen C0027672, MeSH D009386, MONDO:0015356.

Allele frequency attached by ClinVar (database versions not stated): gnomAD 0.00001; TOPMed 0.00002.

Submissions (2):

Labcorp Genetics (formerly Invitae), Labcorp
Classification: Uncertain significance for Familial cancer of breast. Last evaluated: 2025-07-30. Review status: criteria provided, single submitter. Criteria: Invitae Variant Classification Sherloc (09022015). Collection method: clinical testing. Allele origin: germline.
Comment: This sequence change replaces leucine, which is neutral and non-polar, with serine, which is neutral and polar, at codon 303 of the CHEK2 protein (p.Leu303Ser). This variant is not present in population databases (gnomAD no frequency). This variant has not been reported in the literature in individuals affected with CHEK2-related conditions. ClinVar contains an entry for this variant (Variation ID: 1471629). An algorithm developed to predict the effect of missense changes on protein structure and function (PolyPhen-2) suggests that this variant is likely to be disruptive. In summary, the available evidence is currently insufficient to determine the role of this variant in disease. Therefore, it has been classified as a Variant of Uncertain Significance.

Ambry Genetics
Classification: Uncertain significance for Hereditary cancer-predisposing syndrome. Last evaluated: 2023-11-29. Review status: criteria provided, single submitter. Criteria: Ambry Variant Classification Scheme 2023. Collection method: clinical testing. Allele origin: germline.
Comment: The p.L303S variant (also known as c.908T>C), located in coding exon 7 of the CHEK2 gene, results from a T to C substitution at nucleotide position 908. The leucine at codon 303 is replaced by serine, an amino acid with dissimilar properties. This amino acid position is highly conserved in available vertebrate species. In addition, the in silico prediction for this alteration is inconclusive. Since supporting evidence is limited at this time, the clinical significance of this alteration remains unclear.